The following is an entry in ClinVar:

ClinVar aggregate classification (germline): Pathogenic (1 of 4 stars; one submission).

Conditions:
Hereditary cancer-predisposing syndrome. Also called: Neoplastic Syndromes, Hereditary; Tumor predisposition; Hereditary Cancer Syndrome; Hereditary neoplastic syndrome. Identifiers: Orphanet 140162, MedGen C0027672, MeSH D009386, MONDO:0015356.

Submission:

Ambry Genetics
Classification: Pathogenic for Hereditary cancer-predisposing syndrome. Last evaluated: 2019-07-26. Review status: criteria provided, single submitter. Criteria: Ambry Variant Classification Scheme 2023. Collection method: clinical testing. Allele origin: germline.
Comment: The c.3557-6_3567DEL17INSAAGGTGAAAGTACAT pathogenic mutation spans intron 6 and exon 7 of the MSH6 gene, resulting in the deletion of 17 nucleotides and insertion of AAGGTGAAAGTACAT nucleotides at positions c.3557-6 to c.3567, causing a translational frameshift with a predicted alternate stop codon. Using different splice site prediction tools, this alteration is predicted by ESEfinder to weaken the efficiency of the native splice acceptor site, but is not predicted to have a deleterious effect on this splice acceptor site by BDGP and the Human Splicing Finder (HSF); however, direct evidence is unavailable (Desmet FO et al. Nucleic Acids Res. 2009 May;37:e67). This alteration is expected to result in loss of function by premature protein truncation or nonsense-mediated mRNA decay. As such, this alteration is interpreted as a disease-causing mutation.

NM_000179.3(MSH6):c.3557-6_3567delinsAAGGTGAAAGTACAT

Gene: MSH6 (mutS homolog 6; plus strand). Cytogenetic location: 2p16.3.
Variant type: Indel.
Coding change: c.3557-6_3567delinsAAGGTGAAAGTACAT on transcript NM_000179.3 (MANE Select); 6 bases into the intron before coding-DNA position 3557 through coding-DNA position 3567, TTTAAGGTGAAAGTACA replaced by AAGGTGAAAGTACAT.
Molecular consequence: splice acceptor variant.
Genome position (GRCh38, 1-based): chr2:47,805,612-47,805,628, TTTAAGGTGAAAGTACA replaced by AAGGTGAAAGTACAT. VCF-style: chr2-47805612-TTTAAGGTGAAAGTACA-AAGGTGAAAGTACAT. GRCh37 (hg19) VCF-style: chr2-48032751-TTTAAGGTGAAAGTACA-AAGGTGAAAGTACAT.
Other names: c.2651-6_2661delinsAAGGTGAAAGTACAT (NM_001281493.2, NM_001281494.2); c.3167-6_3177delinsAAGGTGAAAGTACAT (NM_001281492.2).
Identifiers: ClinVar variation 1732641 (VCV001732641.2), dbSNP rs2530820313, ClinGen allele CA2580067221.